The following is an entry in ClinVar:

NM_004646.4(NPHS1):c.58+1G>T

Genes: KIRREL2 (kirre like nephrin family adhesion molecule 2; plus strand), NPHS1 (NPHS1 adhesion molecule, nephrin; minus strand). Cytogenetic location: 19q13.12.
Variant type: single nucleotide variant.
Coding change: c.58+1G>T on transcript NM_004646.4 (MANE Select); the canonical splice donor site of the intron after coding-DNA position 58, G replaced by T.
Molecular consequence: splice donor variant.
Genome position (GRCh38, 1-based): chr19:35,851,779, C>A on the plus strand (G>T on the coding strand, the complement: NPHS1 is on the minus strand). VCF-style: chr19-35851779-C-A. GRCh37 (hg19) VCF-style: chr19-36342681-C-A.
Identifiers: ClinVar variation 56516 (VCV000056516.4), dbSNP rs386833954, ClinGen allele CA250261.

ClinVar aggregate classification (germline): Pathogenic. Review status: criteria provided, single submitter (1 of 4 stars). 2 submissions from 2 submitters: Pathogenic (1). 1 of the submissions does not count toward it. Last evaluated 2025-02-01.

Conditions:
Finnish congenital nephrotic syndrome (NPHS1). Also called: NEPHROTIC SYNDROME, TYPE 1. Identifiers: Orphanet 839, MedGen C0403399, MONDO:0009732, OMIM 256300.

Submissions (2):

Natera, Inc.
Classification: Pathogenic for Finnish congenital nephrotic syndrome. Last evaluated: 2025-02-01. Review status: criteria provided, single submitter. Criteria: Natera Variant Classification Schema (03/2026). Collection method: clinical testing. Allele origin: germline.
Comment: The c.58+1G>T variant in NPHS1 is a canonical splice donor site variant predicted to affect pre-mRNA splicing, which may result in an abnormal transcript and altered protein product. This variant is expected to result in nonsense mediated decay, truncation, or a dysfunctional protein product. This variant is rare in the general population with a frequency below the threshold expected for the associated phenotype(s). This variant has been observed in one or more individuals affected with the associated recessive disease, as either homozygous or compound heterozygous with a second variant (PMID: 20172850). Given the available evidence, this variant is classified as Pathogenic.

Juha Muilu Group; Institute for Molecular Medicine Finland (FIMM)
Classification: Likely pathogenic for Finnish congenital nephrotic syndrome. Review status: no assertion criteria provided. Collection method: not provided. Allele origin: unknown. Not counted in ClinVar's aggregate classification.
Comment: FinDis database variant: FinDis database variant: This variant was not found or characterized by our laboratory, data were collected from public sources: see reference
ClinVar note: Converted during submission from probable-pathogenic to Likely pathogenic.

Literature cited by the submitters: PubMed 20172850 (cited by Natera, Inc.).